The following is an entry in ClinVar:

NM_001204.7(BMPR2):c.88C>G (p.Gln30Glu)

Gene: BMPR2 (bone morphogenetic protein receptor type 2; plus strand). Cytogenetic location: 2q33.1.
Variant type: single nucleotide variant.
Coding change: c.88C>G on transcript NM_001204.7 (MANE Select); coding-DNA position 88, C replaced by G.
Protein change: p.Gln30Glu; replaces glutamine 30 with glutamic acid.
Molecular consequence: missense variant.
Genome position (GRCh38, 1-based): chr2:202,464,820, C>G. VCF-style: chr2-202464820-C-G. GRCh37 (hg19) VCF-style: chr2-203329543-C-G.
Other names: short protein forms Q30E.
Identifiers: ClinVar variation 4214462 (VCV004214462.1).
Genomic context (GRCh38, chr2:202,464,820, plus strand): 5'-TTTTGAAAACATTAAATAATTTGTCATTCCTTTATTTCCTTTATTTTAGCTTCGCAGAAT[C>G]AAGAACGGCTATGTGCGTTTAAAGATCCGTATCAGCAAGACCTTGGGATAGGTGAGAGTA-3'
Protein context (NP_001195.2, residues 20-40): LVSTAAASQN[Gln30Glu]ERLCAFKDPY

ClinVar aggregate classification (germline): Uncertain significance (1 of 4 stars; one submission).

Conditions:
Inborn genetic diseases. Identifiers: MedGen C0950123, MeSH D030342.

Submission:

Ambry Genetics
Classification: Uncertain significance for Inborn genetic diseases. Last evaluated: 2025-07-25. Review status: criteria provided, single submitter. Criteria: Ambry Variant Classification Scheme 2023. Collection method: clinical testing. Allele origin: germline.
Comment: The p.Q30E variant (also known as c.88C>G), located in coding exon 2 of the BMPR2 gene, results from a C to G substitution at nucleotide position 88. The glutamine at codon 30 is replaced by glutamic acid, an amino acid with highly similar properties. This amino acid position is conserved. In addition, the in silico prediction for this alteration is inconclusive. Based on the available evidence, the clinical significance of this variant remains unclear.